The following is an entry in ClinVar:

NM_003000.3(SDHB):c.201-18G>A

Gene: SDHB (succinate dehydrogenase complex iron sulfur subunit B; minus strand). Cytogenetic location: 1p36.13.
Variant type: single nucleotide variant.
Coding change: c.201-18G>A on transcript NM_003000.3 (MANE Select); 18 bases into the intron before coding-DNA position 201, G replaced by A.
Molecular consequence: intron variant.
Genome position (GRCh38, 1-based): chr1:17,033,163, C>T on the plus strand (G>A on the coding strand, the complement: SDHB is on the minus strand). VCF-style: chr1-17033163-C-T. GRCh37 (hg19) VCF-style: chr1-17359658-C-T.
Identifiers: ClinVar variation 1596660 (VCV001596660.9), dbSNP rs765108144, ClinGen allele CA521040590.
Genomic context (GRCh38, chr1:17,033,163, plus strand): 5'-ATTCTTAATCTTGATTAAAGCATCCAATACCATGGGGCCACATCTAACAAAGAAAAATAT[C>T]CAGTGGTATTTATGTAACGTTCAACCTCCCTACACTTTATCATAATATAATCGGAGACAC-3'

ClinVar aggregate classification (germline): Likely benign. Review status: criteria provided, multiple submitters, no conflicts (2 of 4 stars). 2 submissions from 2 submitters: Likely benign (2). Last evaluated 2025-03-12.

Conditions:
Pheochromocytoma/paraganglioma syndrome 4. Also called: CAROTID BODY TUMORS AND MULTIPLE EXTRAADRENAL PHEOCHROMOCYTOMAS; PARAGANGLIOMA, FAMILIAL MALIGNANT; PARAGANGLIOMAS, HEREDITARY EXTRAADRENAL; PHEOCHROMOCYTOMA, FAMILIAL EXTRAADRENAL; Paragangliomas 4; SDHB-Related Hereditary Paraganglioma-Pheochromocytoma Syndrome (Paragangliomas 4). Identifiers: Orphanet 29072, MedGen C1861848, MONDO:0007273, OMIM 115310.
Pheochromocytoma. Also called: MAX-Related Hereditary Paraganglioma-Pheochromocytoma Syndrome. Identifiers: Orphanet 29072, MedGen C0031511, MONDO:0008233, OMIM 171300, HP:0002666.
Gastrointestinal stromal tumor. Also called: Gastrointestinal stromal tumor, somatic; Gastrointestinal stroma tumor. Identifiers: Orphanet 44890, MedGen C0238198, MeSH D046152, MONDO:0011719, OMIM 606764, HP:0100723.

gnomAD v4.1: 1 of 1,575,178 alleles (0.000063%); highest among the groups gnomAD compares: Non-Finnish European, 0.000087%; no homozygotes.

Submissions (2):

Myriad Genetics, Inc.
Classification: Likely benign for Pheochromocytoma/paraganglioma syndrome 4. Last evaluated: 2025-03-12. Review status: criteria provided, single submitter. Criteria: Myriad Autosomal Dominant, Autosomal Recessive and X-Linked Classification Criteria (2023). Collection method: clinical testing. Allele origin: unknown.
Comment: This variant is considered likely benign. This variant is intronic and is not expected to impact mRNA splicing.

Labcorp Genetics (formerly Invitae), Labcorp
Classification: Likely benign for Gastrointestinal stromal tumor; Pheochromocytoma/paraganglioma syndrome 4; Pheochromocytoma. Last evaluated: 2025-02-27. Review status: criteria provided, single submitter. Criteria: Invitae Variant Classification Sherloc (09022015). Collection method: clinical testing. Allele origin: germline.